The following is an entry in ClinVar:

ClinVar aggregate classification (germline): Conflicting classifications of pathogenicity. Review status: criteria provided, conflicting classifications (1 of 4 stars). 4 submissions from 4 submitters: Uncertain significance (3); Likely benign (1). Last evaluated 2025-10-28.

Conditions:
Cardiovascular phenotype. Identifiers: MedGen CN230736.
Cardiofaciocutaneous syndrome 3 (CFC3). Also called: MAP2K1-Related Cardiofaciocutaneous Syndrome. Identifiers: Orphanet 1340, MedGen C3809006, MONDO:0014113, OMIM 615279.
RASopathy. Also called: rasopathies; Noonan spectrum disorder. Identifiers: Orphanet 536391, MedGen C5555857, MONDO:0021060.

Allele frequency attached by ClinVar (database versions not stated): gnomAD 0.00001; gnomAD exomes 0.00001 and 0.00002; TOPMed 0.00001.

Submissions (4):

Labcorp Genetics (formerly Invitae), Labcorp
Classification: Uncertain significance for RASopathy. Last evaluated: 2025-10-28. Review status: criteria provided, single submitter. Criteria: Invitae Variant Classification Sherloc (09022015). Collection method: clinical testing. Allele origin: germline.
Comment: This sequence change replaces alanine, which is neutral and non-polar, with valine, which is neutral and non-polar, at codon 391 of the MAP2K1 protein (p.Ala391Val). This variant is present in population databases (no rsID available, gnomAD 0.0009%). This variant has not been reported in the literature in individuals affected with MAP2K1-related conditions. ClinVar contains an entry for this variant (Variation ID: 372567). Invitae Evidence Modeling of protein sequence and biophysical properties (such as structural, functional, and spatial information, amino acid conservation, physicochemical variation, residue mobility, and thermodynamic stability) indicates that this missense variant is expected to disrupt MAP2K1 protein function with a positive predictive value of 95%. In summary, the available evidence is currently insufficient to determine the role of this variant in disease. Therefore, it has been classified as a Variant of Uncertain Significance.

CeGaT Center for Human Genetics Tuebingen
Classification: Likely benign. Last evaluated: 2023-12-01. Review status: criteria provided, single submitter. Criteria: CeGaT Center For Human Genetics Tuebingen Variant Classification Criteria Version 2. Collection method: clinical testing. Allele origin: germline. Affected: yes. Observed: 1 variant allele.
Comment: MAP2K1: BP4

Ambry Genetics
Classification: Uncertain significance for Cardiovascular phenotype. Last evaluated: 2023-10-29. Review status: criteria provided, single submitter. Criteria: Ambry Variant Classification Scheme 2023. Collection method: clinical testing. Allele origin: germline.
Comment: The p.A391V variant (also known as c.1172C>T), located in coding exon 11 of the MAP2K1 gene, results from a C to T substitution at nucleotide position 1172. The alanine at codon 391 is replaced by valine, an amino acid with similar properties. This amino acid position is conserved. In addition, this alteration is predicted to be tolerated by in silico analysis. Since supporting evidence is limited at this time, the clinical significance of this alteration remains unclear.

GeneDx
Classification: Uncertain significance. Last evaluated: 2019-07-03. Review status: criteria provided, single submitter. Criteria: GeneDx Variant Classification Process June 2021. Collection method: clinical testing. Allele origin: germline. Affected: yes.
Comment: The majority of missense variants in this gene are considered pathogenic (Stenson et al., 2014); In silico analysis, which includes protein predictors and evolutionary conservation, supports that this variant does not alter protein structure/function; Has not been previously published as pathogenic or benign to our knowledge

NM_002755.4(MAP2K1):c.1172C>T (p.Ala391Val)

Genes: MAP2K1 (mitogen-activated protein kinase kinase 1; plus strand), SNAPC5 (small nuclear RNA activating complex polypeptide 5; minus strand). Cytogenetic location: 15q22.31.
Variant type: single nucleotide variant.
Coding change: c.1172C>T on transcript NM_002755.4 (MANE Select); coding-DNA position 1172, C replaced by T.
Protein change: p.Ala391Val; replaces alanine 391 with valine.
Molecular consequence: missense variant. On other transcripts: 3 prime UTR variant (1), non-coding transcript variant (1).
Genome position (GRCh38, 1-based): chr15:66,490,605, C>T. VCF-style: chr15-66490605-C-T. GRCh37 (hg19) VCF-style: chr15-66782943-C-T.
Other names: c.*134G>A (NM_006049.4); c.1028C>T, p.Ala343Val (NM_001411065.1); short protein forms A391V, A343V.
Identifiers: ClinVar variation 372567 (VCV000372567.34), dbSNP rs896594939, ClinGen allele CA16043019.
Genomic context (GRCh38, chr15:66,490,605, plus strand): 5'-TTGCAGGTTGGCTCTGCTCCACCATCGGCCTTAACCAGCCCAGCACACCAACCCATGCTG[C>T]TGGCGTCTAAGTGTTTGGGAAGCAACAAAGAGCGAGTCCCCTGCCCGGTGGTTTGCCATG-3'
Protein context (NP_002746.1, residues 381-393): LNQPSTPTHA[Ala391Val]GV